The following is an entry in ClinVar:

ClinVar aggregate classification (germline): Likely pathogenic (1 of 4 stars; one submission).

Submission:

Labcorp Genetics (formerly Invitae), Labcorp
Classification: Likely pathogenic. Last evaluated: 2025-01-06. Review status: criteria provided, single submitter. Criteria: Invitae Variant Classification Sherloc (09022015). Collection method: clinical testing. Allele origin: germline.
Comment: This sequence change affects a donor splice site in intron 2 of the LRP2 gene. It is expected to disrupt RNA splicing. Variants that disrupt the donor or acceptor splice site typically lead to a loss of protein function (PMID: 16199547), and loss-of-function variants in LRP2 are known to be pathogenic (PMID: 17632512, 25682901). This variant is not present in population databases (gnomAD no frequency). This variant has not been reported in the literature in individuals affected with LRP2-related conditions. ClinVar contains an entry for this variant (Variation ID: 2695656). Algorithms developed to predict the effect of sequence changes on RNA splicing suggest that this variant may disrupt the consensus splice site. In summary, the currently available evidence indicates that the variant is pathogenic, but additional data are needed to prove that conclusively. Therefore, this variant has been classified as Likely Pathogenic.

Literature cited by the submitters: PubMed 16199547; PubMed 17632512; PubMed 25682901.

NM_004525.3(LRP2):c.187+1G>C

Gene: LRP2 (LDL receptor related protein 2; minus strand). Cytogenetic location: 2q31.1.
Variant type: single nucleotide variant.
Coding change: c.187+1G>C on transcript NM_004525.3 (MANE Select); the canonical splice donor site of the intron after coding-DNA position 187, G replaced by C.
Molecular consequence: splice donor variant.
Genome position (GRCh38, 1-based): chr2:169,320,776, C>G on the plus strand (G>C on the coding strand, the complement: LRP2 is on the minus strand). VCF-style: chr2-169320776-C-G. GRCh37 (hg19) VCF-style: chr2-170177286-C-G.
Identifiers: ClinVar variation 2695656 (VCV002695656.3), dbSNP rs2528671145, ClinGen allele CA349174422.